The following is an entry in ClinVar:

ClinVar aggregate classification (germline): Uncertain significance (1 of 4 stars; one submission).

Conditions:
Long QT syndrome (LQTS). Identifiers: MedGen C0023976, MeSH D008133, MONDO:0002442. Disease mechanism: loss of function. Inheritance: Various modes of inheritance.

Allele frequency attached by ClinVar (database versions not stated): gnomAD exomes below 0.00001.
gnomAD v4.1: 2 of 1,610,474 alleles (0.00012%); highest among the groups gnomAD compares: Admixed American, 0.0034%; no homozygotes.

Submission:

Labcorp Genetics (formerly Invitae), Labcorp
Classification: Uncertain significance for Long QT syndrome. Last evaluated: 2019-02-14. Review status: criteria provided, single submitter. Criteria: Invitae Variant Classification Sherloc (09022015). Collection method: clinical testing. Allele origin: germline.
Comment: In summary, the available evidence is currently insufficient to determine the role of this variant in disease. Therefore, it has been classified as a Variant of Uncertain Significance. This sequence change replaces leucine with arginine at codon 872 of the AKAP9 protein (p.Leu872Arg). The leucine residue is moderately conserved and there is a moderate physicochemical difference between leucine and arginine. This variant is not present in population databases (ExAC no frequency). This variant has not been reported in the literature in individuals with AKAP9-related conditions. Algorithms developed to predict the effect of missense changes on protein structure and function are either unavailable or do not agree on the potential impact of this missense change (SIFT: "Deleterious"; PolyPhen-2: "Probably Damaging"; Align-GVGD: "Class C0").

NM_005751.5(AKAP9):c.2615T>G (p.Leu872Arg)

Gene: AKAP9 (A-kinase anchoring protein 9; plus strand). Cytogenetic location: 7q21.2.
Variant type: single nucleotide variant.
Coding change: c.2615T>G on transcript NM_005751.5 (MANE Select); coding-DNA position 2615, T replaced by G.
Protein change: p.Leu872Arg; replaces leucine 872 with arginine.
Molecular consequence: missense variant.
Genome position (GRCh38, 1-based): chr7:92,002,532, T>G. VCF-style: chr7-92002532-T-G. GRCh37 (hg19) VCF-style: chr7-91631846-T-G.
Other names: c.2615T>G, p.Leu872Arg (NM_147185.3); short protein forms L872R.
Identifiers: ClinVar variation 852516 (VCV000852516.9), dbSNP rs1306567728, ClinGen allele CA368124536.